The following is an entry in ClinVar:

ClinVar aggregate classification (germline): Uncertain significance (1 of 4 stars; one submission).

Submission:

GeneDx
Classification: Uncertain significance. Last evaluated: 2023-11-30. Review status: criteria provided, single submitter. Criteria: GeneDx Variant Classification Process June 2021. Collection method: clinical testing. Allele origin: germline. Affected: yes.
Comment: Not observed at significant frequency in large population cohorts (gnomAD); In silico analysis supports that this missense variant does not alter protein structure/function; Has not been previously published as pathogenic or benign to our knowledge

NM_014991.6(WDFY3):c.5501A>C (p.Asn1834Thr)

Gene: WDFY3 (WD repeat and FYVE domain containing 3; minus strand). Cytogenetic location: 4q21.23.
Variant type: single nucleotide variant.
Coding change: c.5501A>C on transcript NM_014991.6 (MANE Select); coding-DNA position 5501, A replaced by C.
Protein change: p.Asn1834Thr; replaces asparagine 1834 with threonine.
Molecular consequence: missense variant.
Genome position (GRCh38, 1-based): chr4:84,755,324, T>G on the plus strand (A>C on the coding strand, the complement: WDFY3 is on the minus strand). VCF-style: chr4-84755324-T-G. GRCh37 (hg19) VCF-style: chr4-85676477-T-G.
Other names: short protein forms N1834T.
Identifiers: ClinVar variation 3342573 (VCV003342573.1).